The following is an entry in ClinVar:

NM_001110556.2(FLNA):c.6404C>T (p.Thr2135Ile)

Gene: FLNA (filamin A; minus strand). Cytogenetic location: Xq28.
Variant type: single nucleotide variant.
Coding change: c.6404C>T on transcript NM_001110556.2 (MANE Select); coding-DNA position 6404, C replaced by T.
Protein change: p.Thr2135Ile; replaces threonine 2135 with isoleucine.
Molecular consequence: missense variant.
Genome position (GRCh38, 1-based): chrX:154,352,651, G>A on the plus strand (C>T on the coding strand, the complement: FLNA is on the minus strand). VCF-style: chrX-154352651-G-A. GRCh37 (hg19) VCF-style: chrX-153581019-G-A.
Other names: c.6380C>T, p.Thr2127Ile (NM_001456.4); short protein forms T2127I, T2135I.
Identifiers: ClinVar variation 1717748 (VCV001717748.6), dbSNP rs2522721698, ClinGen allele CA415192541.

ClinVar aggregate classification (germline): Uncertain significance (1 of 4 stars; one submission).

Conditions:
Melnick-Needles syndrome (MNS). Also called: MELNICK-NEEDLES OSTEODYSPLASTY; OSTEODYSPLASTY OF MELNICK AND NEEDLES; Melnick-Needles Syndrome (FLNA-MNS). Identifiers: Orphanet 2484, MedGen C0025237, MONDO:0010650, OMIM 309350.
Heterotopia, periventricular, X-linked dominant (PVNH1). Also called: PERIVENTRICULAR NODULAR HETEROTOPIA 1; X-linked periventricular heterotopia; HETEROTOPIA, PERIVENTRICULAR, 1; PERIVENTRICULAR NODULAR HETEROTOPIA 4. Identifiers: Orphanet 2149, Orphanet 82004, MedGen C1848213, MONDO:0010233, OMIM 300049.
Oto-palato-digital syndrome, type II (OPD2). Also called: OPD II SYNDROME; Otopalatodigital Syndrome, Type II; FACIOPALATOOSSEOUS SYNDROME; Otopalatodigital Syndrome Type 2 (FLNA-OPD2). Identifiers: Orphanet 669, Orphanet 90652, MedGen C1844696, MONDO:0010571, OMIM 304120.
Frontometaphyseal dysplasia (FMD1). Identifiers: Orphanet 1826, MedGen C0265293, MONDO:0015942.

Submission:

Labcorp Genetics (formerly Invitae), Labcorp
Classification: Uncertain significance for Oto-palato-digital syndrome, type II; Heterotopia, periventricular, X-linked dominant; Frontometaphyseal dysplasia; Melnick-Needles syndrome. Last evaluated: 2022-08-22. Review status: criteria provided, single submitter. Criteria: Invitae Variant Classification Sherloc (09022015). Collection method: clinical testing. Allele origin: germline.
Comment: In summary, the available evidence is currently insufficient to determine the role of this variant in disease. Therefore, it has been classified as a Variant of Uncertain Significance. Advanced modeling of protein sequence and biophysical properties (such as structural, functional, and spatial information, amino acid conservation, physicochemical variation, residue mobility, and thermodynamic stability) performed at Invitae indicates that this missense variant is not expected to disrupt FLNA protein function. This variant has not been reported in the literature in individuals affected with FLNA-related conditions. This variant is not present in population databases (gnomAD no frequency). This sequence change replaces threonine, which is neutral and polar, with isoleucine, which is neutral and non-polar, at codon 2127 of the FLNA protein (p.Thr2127Ile).